The following is an entry in ClinVar:

NM_001206927.2(DNAH8):c.7576C>A (p.Leu2526Ile)

Gene: DNAH8 (dynein axonemal heavy chain 8; plus strand). Cytogenetic location: 6p21.2.
Variant type: single nucleotide variant.
Coding change: c.7576C>A on transcript NM_001206927.2 (MANE Select); coding-DNA position 7576, C replaced by A.
Protein change: p.Leu2526Ile; replaces leucine 2526 with isoleucine.
Molecular consequence: missense variant.
Genome position (GRCh38, 1-based): chr6:38,873,332, C>A. VCF-style: chr6-38873332-C-A. GRCh37 (hg19) VCF-style: chr6-38841108-C-A.
Other names: c.6925C>A, p.Leu2309Ile (NM_001371.4); short protein forms L2309I, L2526I.
Identifiers: ClinVar variation 660786 (VCV000660786.6), dbSNP rs1253294161, ClinGen allele CA364028784.

ClinVar aggregate classification (germline): Uncertain significance (1 of 4 stars; one submission).

Conditions:
Primary ciliary dyskinesia. Also called: Ciliary dyskinesia. Identifiers: Orphanet 244, MedGen C0008780, MONDO:0016575, HP:0012265.

Allele frequency attached by ClinVar (database versions not stated): gnomAD exomes below 0.00001; TOPMed 0.00002.
gnomAD v4.1: 3 of 1,612,364 alleles (0.00019%); highest among the groups gnomAD compares: Admixed American, 0.0034%; no homozygotes.

Submission:

Labcorp Genetics (formerly Invitae), Labcorp
Classification: Uncertain significance for Primary ciliary dyskinesia. Last evaluated: 2025-01-21. Review status: criteria provided, single submitter. Criteria: Invitae Variant Classification Sherloc (09022015). Collection method: clinical testing. Allele origin: germline.
Comment: This sequence change replaces leucine, which is neutral and non-polar, with isoleucine, which is neutral and non-polar, at codon 2526 of the DNAH8 protein (p.Leu2526Ile). This variant is not present in population databases (gnomAD no frequency). This variant has not been reported in the literature in individuals affected with DNAH8-related conditions. ClinVar contains an entry for this variant (Variation ID: 660786). Invitae Evidence Modeling of protein sequence and biophysical properties (such as structural, functional, and spatial information, amino acid conservation, physicochemical variation, residue mobility, and thermodynamic stability) indicates that this missense variant is not expected to disrupt DNAH8 protein function with a negative predictive value of 80%. In summary, the available evidence is currently insufficient to determine the role of this variant in disease. Therefore, it has been classified as a Variant of Uncertain Significance.